The following is an entry in ClinVar:

ClinVar aggregate classification (germline): Uncertain significance. Review status: criteria provided, multiple submitters, no conflicts (2 of 4 stars). 2 submissions from 2 submitters: Uncertain significance (2). Last evaluated 2023-11-07.

Allele frequency attached by ClinVar (database versions not stated): TOPMed 0.00001; gnomAD 0.00003; gnomAD exomes 0.00003.
gnomAD v4.1: 49 of 1,613,776 alleles (0.003%); highest among the groups gnomAD compares: Non-Finnish European, 0.004%; no homozygotes.

Submissions (2):

Ambry Genetics
Classification: Uncertain significance. Last evaluated: 2023-11-07. Review status: criteria provided, single submitter. Criteria: Ambry Variant Classification Scheme 2023. Collection method: clinical testing. Allele origin: germline.

Labcorp Genetics (formerly Invitae), Labcorp
Classification: Uncertain significance. Last evaluated: 2023-04-17. Review status: criteria provided, single submitter. Criteria: Invitae Variant Classification Sherloc (09022015). Collection method: clinical testing. Allele origin: germline.
Comment: In summary, the available evidence is currently insufficient to determine the role of this variant in disease. Therefore, it has been classified as a Variant of Uncertain Significance. An algorithm developed to predict the effect of missense changes on protein structure and function (PolyPhen-2) suggests that this variant is likely to be disruptive. This variant has not been reported in the literature in individuals affected with CDC6-related conditions. This variant is present in population databases (no rsID available, gnomAD 0.004%). This sequence change replaces aspartic acid, which is acidic and polar, with tyrosine, which is neutral and polar, at codon 455 of the CDC6 protein (p.Asp455Tyr).

NM_001254.4(CDC6):c.1363G>T (p.Asp455Tyr)

Gene: CDC6 (cell division cycle 6; plus strand). Cytogenetic location: 17q21.2.
Variant type: single nucleotide variant.
Coding change: c.1363G>T on transcript NM_001254.4 (MANE Select); coding-DNA position 1363, G replaced by T.
Protein change: p.Asp455Tyr; replaces aspartic acid 455 with tyrosine.
Molecular consequence: missense variant.
Genome position (GRCh38, 1-based): chr17:40,300,941, G>T. VCF-style: chr17-40300941-G-T. GRCh37 (hg19) VCF-style: chr17-38457193-G-T.
Other names: c.1363G>T (NM_001254.3); short protein forms D455Y.
Identifiers: ClinVar variation 2963303 (VCV002963303.4), dbSNP rs1025057902, ClinGen allele CA290499858.
Genomic context (GRCh38, chr17:40,300,941, plus strand): 5'-TCCCAAGTCATCTCAGAAGTTGATGGTAACAGGATGACCTTGAGCCAAGAAGGAGCACAA[G>T]ATTCCTTCCCTCTTCAGCAGAAGATCTTGGTTTGCTCTTTGATGCTCTTGATCAGGCAGT-3'
Protein context (NP_001245.1, residues 445-465): RMTLSQEGAQ[Asp455Tyr]SFPLQQKILV